The following is an entry in ClinVar:

ClinVar aggregate classification (germline): Uncertain significance. Review status: criteria provided, multiple submitters, no conflicts (2 of 4 stars). 2 submissions from 2 submitters: Uncertain significance (2). Last evaluated 2025-11-05.

Conditions:
Pancreatic adenocarcinoma. Identifiers: MedGen C0281361, MONDO:0006047, HP:0006725.

gnomAD v4.1: 13 of 1,482,644 alleles (0.00088%); highest among the groups gnomAD compares: Non-Finnish European, 0.0011%; no homozygotes.

Submissions (2):

Labcorp Genetics (formerly Invitae), Labcorp
Classification: Uncertain significance for Pancreatic adenocarcinoma. Last evaluated: 2025-11-05. Review status: criteria provided, single submitter. Criteria: Invitae Variant Classification Sherloc (09022015). Collection method: clinical testing. Allele origin: germline.
Comment: This sequence change replaces methionine, which is neutral and non-polar, with isoleucine, which is neutral and non-polar, at codon 54 of the PALLD protein (p.Met54Ile). This variant is not present in population databases (gnomAD no frequency). This variant has not been reported in the literature in individuals affected with PALLD-related conditions. ClinVar contains an entry for this variant (Variation ID: 1489515). An algorithm developed to predict the effect of missense changes on protein structure and function (PolyPhen-2) suggests that this variant is likely to be tolerated. In summary, the available evidence is currently insufficient to determine the role of this variant in disease. Therefore, it has been classified as a Variant of Uncertain Significance.

Ambry Genetics
Classification: Uncertain significance. Last evaluated: 2024-12-19. Review status: criteria provided, single submitter. Criteria: Ambry Variant Classification Scheme 2023. Collection method: clinical testing. Allele origin: germline.
Comment: The p.M54I variant (also known as c.162G>A), located in coding exon 1 of the PALLD gene, results from a G to A substitution at nucleotide position 162. The methionine at codon 54 is replaced by isoleucine, an amino acid with highly similar properties. This amino acid position is conserved. In addition, this alteration is predicted to be tolerated by in silico analysis. Based on the available evidence, the clinical significance of this variant remains unclear.

NM_001166108.2(PALLD):c.1965-12869G>A

Gene: PALLD (palladin, cytoskeletal associated protein; plus strand). Cytogenetic location: 4q32.3.
Variant type: single nucleotide variant.
Coding change: c.1965-12869G>A on transcript NM_001166108.2 (MANE Select); 12869 bases into the intron before coding-DNA position 1965, G replaced by A.
Molecular consequence: intron variant. On other transcripts: missense variant (1).
Genome position (GRCh38, 1-based): chr4:168,878,053, G>A. VCF-style: chr4-168878053-G-A. GRCh37 (hg19) VCF-style: chr4-169799204-G-A.
Other names: c.162G>A (NM_001166110.1); c.162G>A, p.Met54Ile (NM_001166110.2); c.1965-12869G>A (NM_016081.4); c.819-12869G>A (NM_001166109.2); c.-157-12869G>A (NM_001367570.1, NM_001367568.1, NM_001367567.1 and 1 more transcripts); short protein forms M54I.
Identifiers: ClinVar variation 1489515 (VCV001489515.7), dbSNP rs2151116805, ClinGen allele CA358795295.